The following is an entry in ClinVar:

NM_001040142.2(SCN2A):c.1436G>T (p.Gly479Val)

Gene: SCN2A (sodium voltage-gated channel alpha subunit 2; plus strand). Cytogenetic location: 2q24.3.
Variant type: single nucleotide variant.
Coding change: c.1436G>T on transcript NM_001040142.2 (MANE Select); coding-DNA position 1436, G replaced by T.
Protein change: p.Gly479Val; replaces glycine 479 with valine.
Molecular consequence: missense variant.
Genome position (GRCh38, 1-based): chr2:165,315,523, G>T. VCF-style: chr2-165315523-G-T. GRCh37 (hg19) VCF-style: chr2-166172033-G-T.
Other names: c.1436G>T, p.Gly479Val (NM_001040143.2, NM_001371246.1, NM_001371247.1 and 1 more transcripts); short protein forms G479V.
Identifiers: ClinVar variation 1337001 (VCV001337001.7), dbSNP rs763114190, ClinGen allele CA1939825.

ClinVar aggregate classification (germline): Conflicting classifications of pathogenicity. Review status: criteria provided, conflicting classifications (1 of 4 stars). 2 submissions from 2 submitters: Uncertain significance (1); Likely benign (1). Last evaluated 2022-11-24.

Conditions:
Developmental and epileptic encephalopathy, 11 (DEE11). Also called: Early infantile epileptic encephalopathy 11. Identifiers: Orphanet 1934, MedGen C3150987, MONDO:0013388, OMIM 613721.
Seizures, benign familial infantile, 3 (BFIS3). Also called: CONVULSIONS, BENIGN FAMILIAL INFANTILE, 3; Familial neonatal seizures. Identifiers: Orphanet 140927, Orphanet 306, MedGen C1843140, MONDO:0011904, OMIM 607745.

Allele frequency attached by ClinVar (database versions not stated): gnomAD exomes below 0.00001 and 0.00002; ExAC 0.00003.
gnomAD v4.1: 6 of 1,613,992 alleles (0.00037%); highest among the groups gnomAD compares: East Asian, 0.013%; no homozygotes.

Submissions (2):

Labcorp Genetics (formerly Invitae), Labcorp
Classification: Uncertain significance for Seizures, benign familial infantile, 3; Developmental and epileptic encephalopathy, 11. Last evaluated: 2022-11-24. Review status: criteria provided, single submitter. Criteria: Invitae Variant Classification Sherloc (09022015). Collection method: clinical testing. Allele origin: germline.
Comment: In summary, the available evidence is currently insufficient to determine the role of this variant in disease. Therefore, it has been classified as a Variant of Uncertain Significance. Advanced modeling of protein sequence and biophysical properties (such as structural, functional, and spatial information, amino acid conservation, physicochemical variation, residue mobility, and thermodynamic stability) performed at Invitae indicates that this missense variant is expected to disrupt SCN2A protein function. ClinVar contains an entry for this variant (Variation ID: 1337001). This missense change has been observed in individual(s) with autism (PMID: 30564305). This variant is present in population databases (rs763114190, gnomAD 0.02%). This sequence change replaces glycine, which is neutral and non-polar, with valine, which is neutral and non-polar, at codon 479 of the SCN2A protein (p.Gly479Val).

Genetic Services Laboratory, University of Chicago
Classification: Likely benign. Last evaluated: 2019-06-13. Review status: criteria provided, single submitter. Criteria: ACMG Guidelines, 2015. Collection method: clinical testing. Allele origin: germline. Affected: no.

Literature cited by the submitters: PubMed 30564305 (cited by Labcorp Genetics (formerly Invitae), Labcorp).